The following is an entry in ClinVar:

ClinVar aggregate classification (germline): Uncertain significance. Review status: criteria provided, multiple submitters, no conflicts (2 of 4 stars). 2 submissions from 2 submitters: Uncertain significance (2). Last evaluated 2023-06-23.

Conditions:
Inborn genetic diseases. Identifiers: MedGen C0950123, MeSH D030342.
TH-deficient dopa-responsive dystonia. Also called: Tyrosine Hydroxylase-Deficient Dopa-Responsive Dystonia; Segawa syndrome, autosomal recessive; DYT-TH. Identifiers: Orphanet 101150, MedGen C2673535, MONDO:0011551, OMIM 605407.

gnomAD v4.1: 1 of 1,608,190 alleles (0.000062%); highest among the groups gnomAD compares: Middle Eastern, 0.017%; no homozygotes.

Submissions (2):

Ambry Genetics
Classification: Uncertain significance for Inborn genetic diseases. Last evaluated: 2023-06-23. Review status: criteria provided, single submitter. Criteria: Ambry Variant Classification Scheme 2023. Collection method: clinical testing. Allele origin: germline.

Labcorp Genetics (formerly Invitae), Labcorp
Classification: Uncertain significance for TH-deficient dopa-responsive dystonia. Last evaluated: 2022-03-18. Review status: criteria provided, single submitter. Criteria: Invitae Variant Classification Sherloc (09022015). Collection method: clinical testing. Allele origin: germline.
Comment: This sequence change replaces alanine, which is neutral and non-polar, with serine, which is neutral and polar, at codon 241 of the TH protein (p.Ala241Ser). This variant is not present in population databases (gnomAD no frequency). This variant has not been reported in the literature in individuals affected with TH-related conditions. Algorithms developed to predict the effect of missense changes on protein structure and function (SIFT, PolyPhen-2, Align-GVGD) all suggest that this variant is likely to be disruptive. In summary, the available evidence is currently insufficient to determine the role of this variant in disease. Therefore, it has been classified as a Variant of Uncertain Significance.

NM_000360.4(TH):c.628G>T (p.Ala210Ser)

Gene: TH (tyrosine hydroxylase; minus strand). Cytogenetic location: 11p15.5.
Variant type: single nucleotide variant.
Coding change: c.628G>T on transcript NM_000360.4 (MANE Select); coding-DNA position 628, G replaced by T.
Protein change: p.Ala210Ser; replaces alanine 210 with serine.
Molecular consequence: missense variant.
Genome position (GRCh38, 1-based): chr11:2,167,882, C>A on the plus strand (G>T on the coding strand, the complement: TH is on the minus strand). VCF-style: chr11-2167882-C-A. GRCh37 (hg19) VCF-style: chr11-2189112-C-A.
Other names: c.721G>T, p.Ala241Ser (NM_199292.3); c.709G>T, p.Ala237Ser (NM_199293.3); c.721G>T (NM_199292.2); short protein forms A210S, A237S, A241S.
Identifiers: ClinVar variation 1437804 (VCV001437804.7), dbSNP rs1260455415, ClinGen allele CA379128007.